The following is an entry in ClinVar:

ClinVar aggregate classification (germline): Uncertain significance (1 of 4 stars; one submission).

Conditions:
Autosomal recessive limb-girdle muscular dystrophy type R18 (LGMDR18). Also called: MUSCULAR DYSTROPHY, LIMB-GIRDLE, AUTOSOMAL RECESSIVE 18; Autosomal recessive limb-girdle muscular dystrophy type 2S; Limb-girdle muscular dystrophy, type 2S. Identifiers: Orphanet 369840, MedGen C4517996, MONDO:0014144, OMIM 615356.

Allele frequency attached by ClinVar (database versions not stated): gnomAD exomes below 0.00001; ExAC 0.00001; gnomAD 0.00001; 1000 Genomes Project 30x 0.00016; 1000 Genomes Project 0.00020.
gnomAD v4.1: 1 of 1,613,182 alleles (0.000062%); highest among the groups gnomAD compares: South Asian, 0.0011%; no homozygotes.

Submission:

Labcorp Genetics (formerly Invitae), Labcorp
Classification: Uncertain significance for Autosomal recessive limb-girdle muscular dystrophy type R18. Last evaluated: 2020-02-21. Review status: criteria provided, single submitter. Criteria: Invitae Variant Classification Sherloc (09022015). Collection method: clinical testing. Allele origin: germline.
Comment: This sequence change affects codon 950 of the TRAPPC11 mRNA. It is a 'silent' change, meaning that it does not change the encoded amino acid sequence of the TRAPPC11 protein. This variant is present in population databases (rs376728526, ExAC 0.006%). This variant has not been reported in the literature in individuals with TRAPPC11-related conditions. Algorithms developed to predict the effect of sequence changes on RNA splicing suggest that this variant is not likely to affect RNA splicing, but this prediction has not been confirmed by published transcriptional studies. In summary, the available evidence is currently insufficient to determine the role of this variant in disease. Therefore, it has been classified as a Variant of Uncertain Significance.

NM_021942.6(TRAPPC11):c.2850T>C (p.Asn950=)

Gene: TRAPPC11 (trafficking protein particle complex subunit 11; plus strand). Cytogenetic location: 4q35.1.
Variant type: single nucleotide variant.
Coding change: c.2850T>C on transcript NM_021942.6 (MANE Select); coding-DNA position 2850, T replaced by C.
Protein change: p.Asn950=; no amino-acid change (asparagine 950 retained).
Molecular consequence: synonymous variant.
Genome position (GRCh38, 1-based): chr4:183,697,834, T>C. VCF-style: chr4-183697834-T-C. GRCh37 (hg19) VCF-style: chr4-184618987-T-C.
Other names: c.2850T>C, p.Asn950= (NM_199053.3).
Identifiers: ClinVar variation 861877 (VCV000861877.3), dbSNP rs376728526, ClinGen allele CA3152331.